The following is an entry in ClinVar:

ClinVar aggregate classification (germline): Uncertain significance (1 of 4 stars; one submission).

Conditions:
Alagille syndrome due to a JAG1 point mutation. Also called: JAG1-Related Alagille Syndrome; Alagille Syndrome 1; HEPATIC DUCTULAR HYPOPLASIA, SYNDROMATIC. Identifiers: Orphanet 261619, Orphanet 52, MedGen C1956125, MONDO:0016862, OMIM 118450.

Submission:

Centre of Medical Genetics, University Hospital Muenster
Classification: Uncertain significance for Alagille syndrome due to a JAG1 point mutation. Last evaluated: 2022-01-20. Review status: criteria provided, single submitter. Criteria: ACMG Guidelines, 2015. Collection method: clinical testing. Allele origin: germline. Affected: yes. Observed: 1 variant allele, 1 heterozygote.
Comment: ACMG categories: PM2,PP3,BP1

NM_000214.3(JAG1):c.1859G>T (p.Gly620Val)

Gene: JAG1 (jagged canonical Notch ligand 1; minus strand). Cytogenetic location: 20p12.2.
Variant type: single nucleotide variant.
Coding change: c.1859G>T on transcript NM_000214.3 (MANE Select); coding-DNA position 1859, G replaced by T.
Protein change: p.Gly620Val; replaces glycine 620 with valine.
Molecular consequence: missense variant.
Genome position (GRCh38, 1-based): chr20:10,646,965, C>A on the plus strand (G>T on the coding strand, the complement: JAG1 is on the minus strand). VCF-style: chr20-10646965-C-A. GRCh37 (hg19) VCF-style: chr20-10627613-C-A.
Other names: short protein forms G620V.
Identifiers: ClinVar variation 1675186 (VCV001675186.2), dbSNP rs752105789, ClinGen allele CA408235983.